The following is an entry in ClinVar:

ClinVar aggregate classification (germline): Uncertain significance (1 of 4 stars; one submission).

Submission:

GeneDx
Classification: Uncertain significance. Last evaluated: 2025-07-18. Review status: criteria provided, single submitter. Criteria: GeneDx Variant Classification Process June 2021. Collection method: clinical testing. Allele origin: germline.
Comment: Not observed at significant frequency in large population cohorts (gnomAD); Canonical splice site variant in a gene or region of a gene for which loss of function is not a well-established mechanism of disease; Has not been previously published as pathogenic or benign to our knowledge.

NM_001220.5(CAMK2B):c.66-1G>T

Gene: CAMK2B (calcium/calmodulin dependent protein kinase II beta; minus strand). Cytogenetic location: 7p13.
Variant type: single nucleotide variant.
Coding change: c.66-1G>T on transcript NM_001220.5 (MANE Select); the canonical splice acceptor site of the intron before coding-DNA position 66, G replaced by T.
Molecular consequence: splice acceptor variant.
Genome position (GRCh38, 1-based): chr7:44,284,226, C>A on the plus strand (G>T on the coding strand, the complement: CAMK2B is on the minus strand). VCF-style: chr7-44284226-C-A. GRCh37 (hg19) VCF-style: chr7-44323825-C-A.
Other names: c.66-1G>T (NM_172084.3, NM_172080.3, NM_172083.3 and 5 more transcripts).
Identifiers: ClinVar variation 3342936 (VCV003342936.2).